The following is an entry in ClinVar:

ClinVar aggregate classification (germline): Uncertain significance. Review status: criteria provided, multiple submitters, no conflicts (2 of 4 stars). 3 submissions from 3 submitters: Uncertain significance (3). Last evaluated 2025-12-19.

Conditions:
Inborn genetic diseases. Identifiers: MedGen C0950123, MeSH D030342.

Allele frequency attached by ClinVar (database versions not stated): gnomAD 0.00001; TOPMed 0.00002.
gnomAD v4.1: 11 of 1,612,356 alleles (0.00068%); highest among the groups gnomAD compares: East Asian, 0.0022%; no homozygotes.

Submissions (3):

Labcorp Genetics (formerly Invitae), Labcorp
Classification: Uncertain significance. Last evaluated: 2025-12-19. Review status: criteria provided, single submitter. Criteria: Invitae Variant Classification Sherloc (09022015). Collection method: clinical testing. Allele origin: germline.
Comment: This sequence change replaces threonine, which is neutral and polar, with arginine, which is basic and polar, at codon 1410 of the ANKRD26 protein (p.Thr1410Arg). This variant is not present in population databases (gnomAD no frequency). This variant has not been reported in the literature in individuals affected with ANKRD26-related conditions. ClinVar contains an entry for this variant (Variation ID: 1804496). An algorithm developed to predict the effect of missense changes on protein structure and function outputs the following: PolyPhen-2: "Benign". The arginine amino acid residue is found in multiple mammalian species, which suggests that this missense change does not adversely affect protein function. In summary, the available evidence is currently insufficient to determine the role of this variant in disease. Therefore, it has been classified as a Variant of Uncertain Significance.

GeneDx
Classification: Uncertain significance. Last evaluated: 2025-09-22. Review status: criteria provided, single submitter. Criteria: GeneDx Variant Classification Process June 2021. Collection method: clinical testing. Allele origin: germline.
Comment: Not observed at significant frequency in large population cohorts (gnomAD); In silico analysis supports that this missense variant has a deleterious effect on protein structure/function; Has not been previously published as pathogenic or benign to our knowledge

Ambry Genetics
Classification: Uncertain significance for Inborn genetic diseases. Last evaluated: 2024-11-26. Review status: criteria provided, single submitter. Criteria: Ambry Variant Classification Scheme 2023. Collection method: clinical testing. Allele origin: germline.

NM_014915.3(ANKRD26):c.4229C>G (p.Thr1410Arg)

Gene: ANKRD26 (ankyrin repeat domain 26; minus strand). Cytogenetic location: 10p12.1.
Variant type: single nucleotide variant.
Coding change: c.4229C>G on transcript NM_014915.3 (MANE Select); coding-DNA position 4229, C replaced by G.
Protein change: p.Thr1410Arg; replaces threonine 1410 with arginine.
Molecular consequence: missense variant.
Genome position (GRCh38, 1-based): chr10:27,017,779, G>C on the plus strand (C>G on the coding strand, the complement: ANKRD26 is on the minus strand). VCF-style: chr10-27017779-G-C. GRCh37 (hg19) VCF-style: chr10-27306708-G-C.
Other names: c.4226C>G, p.Thr1409Arg (NM_001256053.2); short protein forms T1409R, T1410R.
Identifiers: ClinVar variation 1804496 (VCV001804496.6), dbSNP rs930166867, ClinGen allele CA204436105.